The following is an entry in ClinVar:

NM_006005.3(WFS1):c.2563T>C (p.Ser855Pro)

Gene: WFS1 (wolframin ER transmembrane glycoprotein; plus strand). Cytogenetic location: 4p16.1.
Variant type: single nucleotide variant.
Coding change: c.2563T>C on transcript NM_006005.3 (MANE Select); coding-DNA position 2563, T replaced by C.
Protein change: p.Ser855Pro; replaces serine 855 with proline.
Molecular consequence: missense variant.
Genome position (GRCh38, 1-based): chr4:6,302,358, T>C. VCF-style: chr4-6302358-T-C. GRCh37 (hg19) VCF-style: chr4-6304085-T-C.
Other names: c.2563T>C, p.Ser855Pro (NM_001145853.1); short protein forms S855P.
Identifiers: ClinVar variation 549512 (VCV000549512.49), dbSNP rs141833472, ClinGen allele CA2839780.
Genomic context (GRCh38, chr4:6,302,358, plus strand): 5'-AGCAAGTGGCCTGTCTTCGAGCTCAAGGCCATCAGCTGCCTCAACTGCATGGCCCAGCTC[T>C]CACCCACCAGGCGGCACGTGAAGATCGAGCACGACTGGCGCAGCACCGTGCATGGCGCCG-3'
Protein context (NP_005996.2, residues 845-865): ISCLNCMAQL[Ser855Pro]PTRRHVKIEH

ClinVar aggregate classification (germline): Benign/Likely benign. Review status: criteria provided, multiple submitters, no conflicts (2 of 4 stars). 11 submissions from 11 submitters: Benign (2); Likely benign (6). 3 of the submissions do not count toward it. Last evaluated 2026-01-08.

Conditions:
WFS1-related disorder. Identifiers: MedGen CN379391, MONDO:0700293.
Monogenic diabetes. Identifiers: Orphanet 183625, MedGen C3888631, MONDO:0015967.
Wolfram syndrome 1 (WFS1). Identifiers: Orphanet 3463, MedGen C4551693, MONDO:0009101, OMIM 222300.

Allele frequency attached by ClinVar (database versions not stated): gnomAD 0.00021 and 0.00027; TOPMed 0.00023; ESP Exome Variant Server 0.00031; gnomAD exomes 0.00041 and 0.00049; 1000 Genomes Project 30x 0.00047; ExAC 0.00058; 1000 Genomes Project 0.00060.
gnomAD v4.1: 632 of 1,613,052 alleles (0.039%); highest among the groups gnomAD compares: South Asian, 0.21%; 3 homozygotes.

Submissions (11):

Labcorp Genetics (formerly Invitae), Labcorp
Classification: Benign. Last evaluated: 2026-01-08. Review status: criteria provided, single submitter. Criteria: Invitae Variant Classification Sherloc (09022015). Collection method: clinical testing. Allele origin: germline.

Blueprint Genetics
Classification: Likely benign. Last evaluated: 2024-10-10. Review status: criteria provided, single submitter. Criteria: ACMG Guidelines, 2015. Collection method: clinical testing. Allele origin: germline.

Revvity Omics, Revvity
Classification: Likely benign. Last evaluated: 2023-10-30. Review status: criteria provided, single submitter. Criteria: ACMG Guidelines, 2015. Collection method: clinical testing. Allele origin: germline.

CeGaT Center for Human Genetics Tuebingen
Classification: Likely benign. Last evaluated: 2022-10-01. Review status: criteria provided, single submitter. Criteria: CeGaT Center For Human Genetics Tuebingen Variant Classification Criteria Version 2. Collection method: clinical testing. Allele origin: germline. Affected: yes. Observed: 1 variant allele.
Comment: WFS1: BP4

GeneDx
Classification: Likely benign. Last evaluated: 2020-06-05. Review status: criteria provided, single submitter. Criteria: GeneDx Variant Classification Process June 2021. Collection method: clinical testing. Allele origin: germline. Affected: yes.
Comment: This variant is associated with the following publications: (PMID: 15605410, 12707373)

Personalized Diabetes Medicine Program, University of Maryland School of Medicine
Classification: Likely benign for Monogenic diabetes. Last evaluated: 2017-05-22. Review status: criteria provided, single submitter. Criteria: ACMG Guidelines, 2015. Collection method: research. Allele origin: unknown. Observed: 1 variant allele, 1 heterozygote. Study: Personalized Diabetes Medicine Program.
Comment: ACMG Criteria:BP4 (9 predictors), BS2 (4 cases and 14 controls in an online resource, and 1 South Asian homozygote in ExAC)

Breakthrough Genomics
Classification: Likely benign. Review status: criteria provided, single submitter. Criteria: ACMG Guidelines, 2015. Collection method: not provided. Allele origin: germline. Inheritance: Autosomal recessive inheritance. Affected: yes.

Clinical Genomics, Uppaluri K&H Personalized Medicine Clinic
Classification: Benign for Wolfram syndrome 1. Review status: criteria provided, single submitter. Criteria: K & H Uppaluri Personalized Medicine Clinic Variant Classification & Assertion Criteria_Updated V.1. Collection method: research. Allele origin: unknown. Inheritance: Autosomal recessive inheritance.
Comment: Mutations in WFS1 gene are associated with Wolfram's syndrome, an autosomal recessive condition, which cause diabetes mellitus, diabetes insipidus, deafness and optic atrophy. rs141833472 variant is also seen in patients with Diabetes Mellitus. However, the role of this particular variant is yet to be ascertained.

PreventionGenetics, part of Exact Sciences
Classification: Likely benign for WFS1-related condition. Last evaluated: 2024-05-09. Review status: no assertion criteria provided. Collection method: clinical testing. Allele origin: germline. Not counted in ClinVar's aggregate classification.
Comment: This variant is classified as likely benign based on ACMG/AMP sequence variant interpretation guidelines (Richards et al. 2015 PMID: 25741868, with internal and published modifications).

Clinical Genetics DNA and cytogenetics Diagnostics Lab, Erasmus MC, Erasmus Medical Center
Classification: Likely benign. Review status: no assertion criteria provided. Collection method: clinical testing. Allele origin: germline. Affected: yes. Study: VKGL Data-share Consensus. Not counted in ClinVar's aggregate classification.

Clinical Genetics, Academic Medical Center
Classification: Benign. Review status: no assertion criteria provided. Collection method: clinical testing. Allele origin: germline. Affected: yes. Study: VKGL Data-share Consensus. Not counted in ClinVar's aggregate classification.

Literature cited by the submitters: PubMed 20028947 (cited by Clinical Genomics, Uppaluri K&H Personalized Medicine Clinic).